The following is an entry in ClinVar:

ClinVar aggregate classification (germline): Pathogenic. Review status: criteria provided, multiple submitters, no conflicts (2 of 4 stars). 3 submissions from 3 submitters: Pathogenic (3). Last evaluated 2025-01-23.

Conditions:
Duchenne muscular dystrophy (DMD). Also called: Duchenne Muscular Dystrophy (DMD); MUSCULAR DYSTROPHY, PSEUDOHYPERTROPHIC PROGRESSIVE, DUCHENNE TYPE. Identifiers: Orphanet 98896, MedGen C0013264, MONDO:0010679, OMIM 310200.

Submissions (3):

3billion
Classification: Pathogenic for Duchenne muscular dystrophy. Last evaluated: 2025-01-23. Review status: criteria provided, single submitter. Criteria: ACMG Guidelines, 2015. Collection method: clinical testing. Allele origin: germline. Affected: yes.
Comment: The variant is not observed in the gnomAD v4.1.0 dataset. Predicted Consequence/Location: Stop-gained (nonsense): predicted to result in a loss or disruption of normal protein function through nonsense-mediated decay (NMD) or protein truncation. Multiple pathogenic variants are reported downstream of the variant. The variant has been reported at least twice as pathogenic without evidence for the classification (ClinVar ID: VCV001322342 /PMID: 19074751). Therefore, this variant is classified as Pathogenic according to the recommendation of ACMG/AMP guideline.

GeneDx
Classification: Pathogenic. Last evaluated: 2024-01-20. Review status: criteria provided, single submitter. Criteria: GeneDx Variant Classification Process June 2021. Collection method: clinical testing. Allele origin: germline.
Comment: Nonsense variant predicted to result in protein truncation or nonsense mediated decay in a gene for which loss of function is a known mechanism of disease; Not observed at significant frequency in large population cohorts (gnomAD); Based on the understanding of this genetic alteration, it may be amenable to nonsense read-through therapy that is currently available or in clinical trial; This variant is associated with the following publications: (PMID: 25525159, 21514860, 32358784, 33843695, 19937601, 23438214, 19074751)

Labcorp Genetics (formerly Invitae), Labcorp
Classification: Pathogenic for Duchenne muscular dystrophy. Last evaluated: 2023-12-27. Review status: criteria provided, single submitter. Criteria: Invitae Variant Classification Sherloc (09022015). Collection method: clinical testing. Allele origin: germline.
Comment: This sequence change creates a premature translational stop signal (p.Gln249*) in the DMD gene. It is expected to result in an absent or disrupted protein product. Loss-of-function variants in DMD are known to be pathogenic (PMID: 16770791, 25007885). This variant is not present in population databases (gnomAD no frequency). This premature translational stop signal has been observed in individual(s) with Duchenne and/or Becker muscular dystrophy (PMID: 19074751, 21514860, 32358784). This variant is also known as c.953C>T. ClinVar contains an entry for this variant (Variation ID: 1322342). For these reasons, this variant has been classified as Pathogenic.

Literature cited by the submitters: PubMed 19074751 (cited by 3billion and Labcorp Genetics (formerly Invitae), Labcorp); PubMed 16770791 (cited by Labcorp Genetics (formerly Invitae), Labcorp); PubMed 25007885 (cited by Labcorp Genetics (formerly Invitae), Labcorp); PubMed 21514860 (cited by Labcorp Genetics (formerly Invitae), Labcorp); PubMed 32358784 (cited by Labcorp Genetics (formerly Invitae), Labcorp).

NM_004006.3(DMD):c.745C>T (p.Gln249Ter)

Gene: DMD (dystrophin; minus strand). Cytogenetic location: Xp21.1.
Variant type: single nucleotide variant.
Coding change: c.745C>T on transcript NM_004006.3 (MANE Select); coding-DNA position 745, C replaced by T.
Protein change: p.Gln249Ter; replaces glutamine 249 with a stop codon.
Molecular consequence: nonsense.
Genome position (GRCh38, 1-based): chrX:32,699,198, G>A on the plus strand (C>T on the coding strand, the complement: DMD is on the minus strand). VCF-style: chrX-32699198-G-A. GRCh37 (hg19) VCF-style: chrX-32717315-G-A.
Other names: c.721C>T, p.Gln241Ter (NM_000109.4); c.733C>T, p.Gln245Ter (NM_004009.3); c.376C>T, p.Gln126Ter (NM_004010.3); short protein forms Q126*, Q241*, Q245*, Q249*.
Identifiers: ClinVar variation 1322342 (VCV001322342.7), dbSNP rs2147604940, ClinGen allele CA412668977.